The following is an entry in ClinVar:

NM_015346.4(ZFYVE26):c.5737G>T (p.Asp1913Tyr)

Gene: ZFYVE26 (zinc finger FYVE-type containing 26; minus strand). Cytogenetic location: 14q24.1.
Variant type: single nucleotide variant.
Coding change: c.5737G>T on transcript NM_015346.4 (MANE Select); coding-DNA position 5737, G replaced by T.
Protein change: p.Asp1913Tyr; replaces aspartic acid 1913 with tyrosine.
Molecular consequence: missense variant.
Genome position (GRCh38, 1-based): chr14:67,767,757, C>A on the plus strand (G>T on the coding strand, the complement: ZFYVE26 is on the minus strand). VCF-style: chr14-67767757-C-A. GRCh37 (hg19) VCF-style: chr14-68234474-C-A.
Other names: c.5737G>T (NM_015346.3); short protein forms D1913Y.
Identifiers: ClinVar variation 2062008 (VCV002062008.2), dbSNP rs774971257, ClinGen allele CA7239404.
Genomic context (GRCh38, chr14:67,767,757, plus strand): 5'-CTATTACCTGCTCATAGTAAAATTCACTCCGCACCAGCTCATTTTCCTCCTCTTTGAGAT[C>A]CAAAATCCATTCCACCTCATCTGCTTTGGGGACTCTCACCACAAACGAGTATGGAGGGCT-3'
Protein context (NP_056161.2, residues 1903-1923): PKADEVEWIL[Asp1913Tyr]LKEEENELVR

ClinVar aggregate classification (germline): Uncertain significance. Review status: criteria provided, multiple submitters, no conflicts (2 of 4 stars). 2 submissions from 2 submitters: Uncertain significance (2). Last evaluated 2025-08-09.

Conditions:
Spastic paraplegia. Identifiers: MedGen C0037772, HP:0001258.
Inborn genetic diseases. Identifiers: MedGen C0950123, MeSH D030342.

Allele frequency attached by ClinVar (database versions not stated): ExAC 0.00001; gnomAD 0.00001; TOPMed 0.00002.
gnomAD v4.1: 3 of 1,614,050 alleles (0.00019%); highest among the groups gnomAD compares: African/African-American, 0.004%; no homozygotes.

Submissions (2):

Ambry Genetics
Classification: Uncertain significance for Inborn genetic diseases. Last evaluated: 2025-08-09. Review status: criteria provided, single submitter. Criteria: Ambry Variant Classification Scheme 2023. Collection method: clinical testing. Allele origin: germline.

Labcorp Genetics (formerly Invitae), Labcorp
Classification: Uncertain significance for Spastic paraplegia. Last evaluated: 2022-03-25. Review status: criteria provided, single submitter. Criteria: Invitae Variant Classification Sherloc (09022015). Collection method: clinical testing. Allele origin: germline.
Comment: This sequence change replaces aspartic acid, which is acidic and polar, with tyrosine, which is neutral and polar, at codon 1913 of the ZFYVE26 protein (p.Asp1913Tyr). This variant is present in population databases (rs774971257, gnomAD 0.008%). This variant has not been reported in the literature in individuals affected with ZFYVE26-related conditions. Algorithms developed to predict the effect of missense changes on protein structure and function are either unavailable or do not agree on the potential impact of this missense change (SIFT: "Deleterious"; PolyPhen-2: "Benign"; Align-GVGD: "Class C0"). In summary, the available evidence is currently insufficient to determine the role of this variant in disease. Therefore, it has been classified as a Variant of Uncertain Significance.